The following is an entry in ClinVar:

NM_001276345.2(TNNT2):c.768G>C (p.Glu256Asp)

Gene: TNNT2 (troponin T2, cardiac type; minus strand). Cytogenetic location: 1q32.1.
Variant type: single nucleotide variant.
Coding change: c.768G>C on transcript NM_001276345.2 (MANE Select); coding-DNA position 768, G replaced by C.
Protein change: p.Glu256Asp; replaces glutamic acid 256 with aspartic acid.
Molecular consequence: missense variant.
Genome position (GRCh38, 1-based): chr1:201,361,321, C>G on the plus strand (G>C on the coding strand, the complement: TNNT2 is on the minus strand). VCF-style: chr1-201361321-C-G. GRCh37 (hg19) VCF-style: chr1-201330449-C-G.
Other names: c.759G>C, p.Glu253Asp (NM_000364.4, NM_001406723.1); c.738G>C, p.Glu246Asp (NM_001001430.3, NM_001276347.2, NM_001406724.1); c.729G>C, p.Glu243Asp (NM_001001431.3, NM_001406726.1, NM_001406727.1); c.720G>C, p.Glu240Asp (NM_001001432.3); c.639G>C, p.Glu213Asp (NM_001276346.2); c.735G>C, p.Glu245Asp (NM_001406725.1); c.723G>C, p.Glu241Asp (NM_001406728.1); short protein forms E241D, E245D, E213D, E240D, E246D, E256D, E243D, E253D.
Identifiers: ClinVar variation 2921642 (VCV002921642.3), dbSNP rs2526924389, ClinGen allele CA344202679.
Genomic context (GRCh38, chr1:201,361,321, plus strand): 5'-GACAGCATGGCGGCCCACCTCATATTTCTGCTGCTTGAACTTCTCCTGCAGGTCGAACTT[C>G]TCTGCCTCCAAGTTATAGATGCTCTGCCACAGCTCCTTGGCCTTCTCCCTGCACGGGCAA-3'
Protein context (NP_001263274.1, residues 246-266): LWQSIYNLEA[Glu256Asp]KFDLQEKFKQ

ClinVar aggregate classification (germline): Uncertain significance (1 of 4 stars; one submission).

Conditions:
Cardiomyopathy, familial restrictive, 3. Identifiers: Orphanet 75249, MedGen C2676271, MONDO:0012900, OMIM 612422.
Hypertrophic cardiomyopathy 2. Also called: TNNT2-Related Familial Hypertrophic Cardiomyopathy. Identifiers: MedGen C1861864, MONDO:0007266, OMIM 115195.
Dilated cardiomyopathy 1D. Identifiers: Orphanet 154, Orphanet 54260, MedGen C1832243, MONDO:0011095, OMIM 601494.

Submission:

Labcorp Genetics (formerly Invitae), Labcorp
Classification: Uncertain significance for Cardiomyopathy, familial restrictive, 3; Hypertrophic cardiomyopathy 2; Dilated cardiomyopathy 1D. Last evaluated: 2023-12-22. Review status: criteria provided, single submitter. Criteria: Invitae Variant Classification Sherloc (09022015). Collection method: clinical testing. Allele origin: germline.
Comment: This sequence change replaces glutamic acid, which is acidic and polar, with aspartic acid, which is acidic and polar, at codon 246 of the TNNT2 protein (p.Glu246Asp). This variant is not present in population databases (gnomAD no frequency). This variant has not been reported in the literature in individuals affected with TNNT2-related conditions. Advanced modeling of protein sequence and biophysical properties (such as structural, functional, and spatial information, amino acid conservation, physicochemical variation, residue mobility, and thermodynamic stability) performed at Invitae indicates that this missense variant is expected to disrupt TNNT2 protein function with a positive predictive value of 95%. In summary, the available evidence is currently insufficient to determine the role of this variant in disease. Therefore, it has been classified as a Variant of Uncertain Significance.